The following is an entry in ClinVar:

NM_001142864.4(PIEZO1):c.6264C>T (p.Arg2088=)

Gene: PIEZO1 (piezo type mechanosensitive ion channel component 1 (Er blood group); minus strand). Cytogenetic location: 16q24.3.
Variant type: single nucleotide variant.
Coding change: c.6264C>T on transcript NM_001142864.4 (MANE Select); coding-DNA position 6264, C replaced by T.
Protein change: p.Arg2088=; no amino-acid change (arginine 2088 retained).
Molecular consequence: synonymous variant.
Genome position (GRCh38, 1-based): chr16:88,719,861, G>A on the plus strand (C>T on the coding strand, the complement: PIEZO1 is on the minus strand). VCF-style: chr16-88719861-G-A. GRCh37 (hg19) VCF-style: chr16-88786269-G-A.
Other names: c.4806C>T, p.Arg1602= (NM_014745.1).
Identifiers: ClinVar variation 2646988 (VCV002646988.24), dbSNP rs2507841604, ClinGen allele CA497364667.
Genomic context (GRCh38, chr16:88,719,861, plus strand): 5'-CCCCTGGAAGAGGAAGAGGTTGAGATGATTGTACTTCTTGGTGAGGAAGTTGCCGAGGAT[G>A]CGGGTGGGGTAGCCGCAGCGGATCTGGTAGGCGGACAGGGCGAAGTAGATGCACTTCACG-3'
Protein context (NP_001136336.2, residues 2078-2098): AYQIRCGYPT[Arg2088=]ILGNFLTKKY

ClinVar aggregate classification (germline): Likely benign (1 of 4 stars; one submission).

Allele frequency attached by ClinVar (database versions not stated): gnomAD exomes below 0.00001.
gnomAD v4.1: 1 of 1,550,552 alleles (0.000064%); highest among the groups gnomAD compares: Non-Finnish European, 0.000087%; no homozygotes.

Submission:

CeGaT Center for Human Genetics Tuebingen
Classification: Likely benign. Last evaluated: 2023-04-01. Review status: criteria provided, single submitter. Criteria: CeGaT Center For Human Genetics Tuebingen Variant Classification Criteria Version 2. Collection method: clinical testing. Allele origin: germline. Affected: yes. Observed: 1 variant allele.
Comment: PIEZO1: PM2:Supporting, BP4, BP7